The following is an entry in ClinVar:

ClinVar aggregate classification (germline): Uncertain significance. Review status: criteria provided, multiple submitters, no conflicts (2 of 4 stars). 12 submissions from 12 submitters: Uncertain significance (12). Last evaluated 2026-09-24.

Conditions:
Cardiovascular phenotype. Identifiers: MedGen CN230736.
MYH7-related disorder. Also called: MYH7-related condition; MYH7-related disease; MYH7-related disorders.
MYH7-related skeletal myopathy. Also called: MYOPATHY, DISTAL, EARLY-ONSET, AUTOSOMAL DOMINANT; MYOPATHY, LATE DISTAL HEREDITARY; Laing distal myopathy; Laing early-onset distal myopathy; Myopathy, distal, 1. Identifiers: Orphanet 59135, MedGen C4552004, MONDO:0008050, OMIM 160500.
Hypertrophic cardiomyopathy 1 (CMH1). Also called: Familial hypertrophic cardiomyopathy 1; MYH7-Related Familial Hypertrophic Cardiomyopathy. Identifiers: MedGen C3495498, MONDO:0008647, OMIM 192600.
Myopathy, myosin storage, autosomal recessive (CMYO7B). Also called: CONGENITAL MYOPATHY 7B, MYOSIN STORAGE, AUTOSOMAL RECESSIVE. Identifiers: Orphanet 636970, MedGen C1850709, MONDO:0009708, OMIM 255160.
Myosin storage myopathy (CMYO7A). Also called: MYH7-related late-onset scapuloperoneal muscular dystrophy; Congenital myopathy 7A, myosin storage, autosomal dominant; MYOPATHY, HYALINE BODY, AUTOSOMAL DOMINANT; Scapuloperoneal myopathy, MYH7-related; MYOPATHY WITH LYSIS OF TYPE I MYOFIBRILS; SCAPULOPERONEAL MUSCULAR DYSTROPHY. Identifiers: Orphanet 437572, Orphanet 636965, MedGen C1842160, MONDO:0008409, OMIM 608358.
Congenital myopathy with fiber type disproportion. Also called: Congenital fiber-type disproportion; Congenital fiber-type disproportion myopathy. Identifiers: Orphanet 2020, MedGen C0546264, MONDO:0009711. Inheritance: all.
Dilated cardiomyopathy 1S (CMD1S). Identifiers: Orphanet 154, Orphanet 54260, MedGen C1834481, MONDO:0013262, OMIM 613426.
Cardiomyopathy (CMYO). Also called: Cardiomyopathies. Identifiers: Orphanet 167848, MedGen C0878544, MONDO:0004994, HP:0001638. Inheritance: Various modes of inheritance.
Hypertrophic cardiomyopathy. Also called: HYPERTROPHIC MYOCARDIOPATHY. Identifiers: Orphanet 217569, MedGen C0007194, MeSH D002312, MONDO:0005045, HP:0001639.

Allele frequency attached by ClinVar (database versions not stated): TOPMed 0.00007; ExAC 0.00004; gnomAD 0.00004; gnomAD exomes 0.00005.
gnomAD v4.1: 96 of 1,614,148 alleles (0.0059%); highest among the groups gnomAD compares: Admixed American, 0.013%; no homozygotes.

Submissions (12):

GeneDx
Classification: Uncertain significance. Last evaluated: 2026-09-24. Review status: criteria provided, single submitter. Criteria: GeneDx Variant Classification Process June 2021. Collection method: clinical testing. Allele origin: germline.
Comment: Reported in an infant with dilated cardiomyopathy (DCM) in published literature (PMID: 34490048); In silico analysis suggests that this missense variant does not alter protein structure/function; This variant is associated with the following publications: (PMID: 34542152, 37652022, 34490048)

PreventionGenetics, part of Exact Sciences
Classification: Uncertain significance for MYH7-related condition. Last evaluated: 2026-02-23. Review status: criteria provided, single submitter. Criteria: ACMG Guidelines, 2015. Collection method: clinical testing. Allele origin: germline.
Comment: The MYH7 c.211G>A variant is predicted to result in the amino acid substitution p.Val71Met. This variant was reported in individuals with cardiovascular disease or hypertrophic cardiomyopathy (Ouyang et al. 2021. PubMed ID: 34490048; Table S6, Park et al. 2022. PubMed ID: 34542152; Table S8, McGurk et al. 2023. PubMed ID: 37652022). This variant is reported in 0.011% of alleles in individuals of Latino descent in gnomAD. At this time, the clinical significance of this variant is uncertain due to the absence of conclusive functional and genetic evidence.

Labcorp Genetics (formerly Invitae), Labcorp
Classification: Uncertain significance for Hypertrophic cardiomyopathy. Last evaluated: 2026-02-01. Review status: criteria provided, single submitter. Criteria: Invitae Variant Classification Sherloc (09022015). Collection method: clinical testing. Allele origin: germline.
Comment: This sequence change replaces valine, which is neutral and non-polar, with methionine, which is neutral and non-polar, at codon 71 of the MYH7 protein (p.Val71Met). This variant is present in population databases (rs730880830, gnomAD 0.01%). This missense change has been observed in individual(s) with clinical features of dilated cardiomyopathy and/or hypertrophic cardiomyopathy (PMID: 34490048, 37652022; internal data). ClinVar contains an entry for this variant (Variation ID: 181297). Invitae Evidence Modeling of protein sequence and biophysical properties (such as structural, functional, and spatial information, amino acid conservation, physicochemical variation, residue mobility, and thermodynamic stability) indicates that this missense variant is expected to disrupt MYH7 protein function with a positive predictive value of 95%. In summary, the available evidence is currently insufficient to determine the role of this variant in disease. Therefore, it has been classified as a Variant of Uncertain Significance.

Ambry Genetics
Classification: Uncertain significance for Cardiovascular phenotype. Last evaluated: 2025-05-19. Review status: criteria provided, single submitter. Criteria: Ambry Variant Classification Scheme 2023. Collection method: clinical testing. Allele origin: germline.
Comment: The p.V71M variant (also known as c.211G>A), located in coding exon 2 of the MYH7 gene, results from a G to A substitution at nucleotide position 211. The valine at codon 71 is replaced by methionine, an amino acid with highly similar properties. This variant was reported in individual(s) with features consistent with MYH7-related cardiomyopathy (Ouyang X et al. Front Genet, 2021 Aug;12:725259; McGurk KA et al. Am J Hum Genet. 2023 Sep;110(9):1482-1495). This amino acid position is highly conserved in available vertebrate species. In addition, the in silico prediction for this alteration is inconclusive. Based on the available evidence, the clinical significance of this variant remains unclear.

Blueprint Genetics
Classification: Uncertain significance. Last evaluated: 2024-11-15. Review status: criteria provided, single submitter. Criteria: ACMG Guidelines, 2015. Collection method: clinical testing. Allele origin: germline.

All of Us Research Program, National Institutes of Health
Classification: Uncertain significance for Cardiomyopathy. Last evaluated: 2024-07-20. Review status: criteria provided, single submitter. Criteria: ACMG Guidelines, 2015. Collection method: clinical testing. Allele origin: germline. Inheritance: Autosomal dominant inheritance. Observed: 27 variant alleles, 27 heterozygotes.
Comment: This missense variant replaces valine with methionine at codon 71 of the MYH7 protein. Computational prediction is inconclusive regarding the impact of this variant on protein structure and function (internally defined REVEL score threshold 0.5 < inconclusive < 0.7, PMID: 27666373). To our knowledge, functional studies have not been reported for this variant. This variant has not been reported in individuals affected with MYH7-related disorders in the literature. This variant has been identified in 14/282710 chromosomes in the general population by the Genome Aggregation Database (gnomAD). The available evidence is insufficient to determine the role of this variant in disease conclusively. Therefore, this variant is classified as a Variant of Uncertain Significance.

This study involves interpretation of variants in research participants for the purpose of population health screening. Participant phenotype was not available at the time of variant classification. Additional details can be found in publication PMID: 35346344, PMCID: PMC8962531

CeGaT Center for Human Genetics Tuebingen
Classification: Uncertain significance. Last evaluated: 2024-06-01. Review status: criteria provided, single submitter. Criteria: CeGaT Center For Human Genetics Tuebingen Variant Classification Criteria Version 2. Collection method: clinical testing. Allele origin: germline. Affected: yes. Observed: 1 variant allele.
Comment: MYH7: PM2

Color Diagnostics, LLC DBA Color Health
Classification: Uncertain significance for Cardiomyopathy. Last evaluated: 2024-01-30. Review status: criteria provided, single submitter. Criteria: ACMG Guidelines, 2015. Collection method: clinical testing. Allele origin: germline.
Comment: This missense variant replaces valine with methionine at codon 71 of the MYH7 protein. Computational prediction tools indicate that this variant's impact on protein structure and function is inconclusive. To our knowledge, functional studies have not been reported for this variant. This variant has been reported one infant affected with enlarged left ventricle and reduced systolic and diastolic function (PMID: 34490048). This variant has been identified in 14/282710 chromosomes in the general population by the Genome Aggregation Database (gnomAD). The available evidence is insufficient to determine the role of this variant in disease conclusively. Therefore, this variant is classified as a Variant of Uncertain Significance.

CHEO Genetics Diagnostic Laboratory, Children's Hospital of Eastern Ontario
Classification: Uncertain significance for Cardiomyopathy. Last evaluated: 2021-09-10. Review status: criteria provided, single submitter. Criteria: ACMG Guidelines, 2015. Collection method: clinical testing. Allele origin: germline.

Fulgent Genetics
Classification: Uncertain significance for MYH7-related skeletal myopathy; Myosin storage myopathy; Hypertrophic cardiomyopathy 1; Myopathy, myosin storage, autosomal recessive; Congenital myopathy 4A, autosomal dominant; Dilated cardiomyopathy 1S. Last evaluated: 2021-09-08. Review status: criteria provided, single submitter. Criteria: ACMG Guidelines, 2015. Collection method: clinical testing. Allele origin: unknown.

Revvity Omics, Revvity
Classification: Uncertain significance. Last evaluated: 2020-09-24. Review status: criteria provided, single submitter. Criteria: ACMG Guidelines, 2015. Collection method: clinical testing. Allele origin: germline.

Women's Health and Genetics/Laboratory Corporation of America, LabCorp
Classification: Uncertain significance. Last evaluated: 2020-01-06. Review status: criteria provided, single submitter. Criteria: LabCorp Variant Classification Summary - May 2015. Collection method: clinical testing. Allele origin: germline.
Comment: Variant summary: MYH7 c.211G>A (p.Val71Met) results in a conservative amino acid change located in the Myosin, N-terminal, SH3-like domain (IPR004009) of the encoded protein sequence. Four of five in-silico tools predict a damaging effect of the variant on protein function. The variant allele was found at a frequency of 5.2e-05 in 251330 control chromosomes (gnomAD). This frequency is not significantly higher than expected for a pathogenic variant in MYH7 causing Cardiomyopathy (5.2e-05 vs 0.0013), allowing no conclusion about variant significance. To our knowledge, no occurrence of c.211G>A in individuals affected with Cardiomyopathy and no experimental evidence demonstrating its impact on protein function have been reported. Two ClinVar submitters (evaluation after 2014) cite the variant as uncertain significance. Based on the evidence outlined above, the variant was classified as uncertain significance.

Literature cited by the submitters: PubMed 34490048 (cited by 3 submitters); PubMed 37652022 (cited by Labcorp Genetics (formerly Invitae), Labcorp and Ambry Genetics); PubMed 33954932 (cited by Ambry Genetics).

NM_000257.4(MYH7):c.211G>A (p.Val71Met)

Gene: MYH7 (myosin heavy chain 7; minus strand). Cytogenetic location: 14q11.2.
Variant type: single nucleotide variant.
Coding change: c.211G>A on transcript NM_000257.4 (MANE Select); coding-DNA position 211, G replaced by A.
Protein change: p.Val71Met; replaces valine 71 with methionine.
Molecular consequence: missense variant.
Genome position (GRCh38, 1-based): chr14:23,433,218, C>T on the plus strand (G>A on the coding strand, the complement: MYH7 is on the minus strand). VCF-style: chr14-23433218-C-T. GRCh37 (hg19) VCF-style: chr14-23902427-C-T.
Other names: p.V71M:GTG>ATG; short protein forms V71M.
Identifiers: ClinVar variation 181297 (VCV000181297.44), dbSNP rs730880830, ClinGen allele CA011723.